The following is an entry in ClinVar:

ClinVar aggregate classification (germline): Pathogenic/Likely pathogenic. Review status: criteria provided, multiple submitters, no conflicts (2 of 4 stars). 4 submissions from 4 submitters: Pathogenic (3); Likely pathogenic (1). Last evaluated 2025-10-23.

Conditions:
Osteogenesis imperfecta with normal sclerae, dominant form (OI4). Also called: Osteogenesis Imperfecta Type IV; Common Variable Osteogenesis Imperfecta with Normal Sclerae; OSTEOGENESIS IMPERFECTA, TYPE IV, WITH DENTINOGENESIS IMPERFECTA; OSTEOGENESIS IMPERFECTA WITH NORMAL SCLERAE; Osteogenesis imperfecta type 4. Identifiers: Orphanet 216820, Orphanet 666, MedGen C0268363, MONDO:0008148, OMIM 166220.
Osteogenesis imperfecta type I (OI1). Also called: Lobstein disease; Classic Non-deforming Osteogenesis Imperfecta with Blue Sclerae; OI, TYPE I; OSTEOGENESIS IMPERFECTA TARDA; OSTEOGENESIS IMPERFECTA WITH BLUE SCLERAE; Osteogenesis imperfecta type 1. Identifiers: Orphanet 216796, Orphanet 666, MedGen C0023931, MONDO:0008146, OMIM 166200. Disease mechanism: loss of function.
COL1A1-related disorder. Also called: COL1A1- related disease; COL1A1-related condition.

Submissions (4):

Labcorp Genetics (formerly Invitae), Labcorp
Classification: Pathogenic for Osteogenesis imperfecta type I. Last evaluated: 2025-10-23. Review status: criteria provided, single submitter. Criteria: Invitae Variant Classification Sherloc (09022015). Collection method: clinical testing. Allele origin: germline.
Comment: This sequence change affects an acceptor splice site in intron 27 of the COL1A1 gene. It is expected to disrupt RNA splicing. Variants that disrupt the donor or acceptor splice site typically lead to a loss of protein function (PMID: 16199547), and loss-of-function variants in COL1A1 are known to be pathogenic (PMID: 7942841, 9295084, 9443882). This variant is not present in population databases (gnomAD no frequency). Disruption of this splice site has been observed in individual(s) with osteogenesis imperfecta (PMID: 16786509, 19491628). ClinVar contains an entry for this variant (Variation ID: 1431075). Algorithms developed to predict the effect of sequence changes on RNA splicing suggest that this variant may disrupt the consensus splice site. For these reasons, this variant has been classified as Pathogenic.

Blueprint Genetics
Classification: Pathogenic for COL1A1-related disorders. Last evaluated: 2024-08-13. Review status: criteria provided, single submitter. Criteria: ACMG Guidelines, 2015. Collection method: clinical testing. Allele origin: germline. Affected: yes. Observed: 2 variant alleles.

GeneDx
Classification: Pathogenic. Last evaluated: 2024-02-01. Review status: criteria provided, single submitter. Criteria: GeneDx Variant Classification Process June 2021. Collection method: clinical testing. Allele origin: germline. Affected: yes.
Comment: Canonical splice site variant predicted to result in an in-frame loss of the adjacent exon in a gene for which loss of function is a known mechanism of disease; Not observed at significant frequency in large population cohorts (gnomAD); This variant is associated with the following publications: (PMID: 25525159, 19491628, 34627339, 16786509)

Juno Genomics, Hangzhou Juno Genomics, Inc
Classification: Likely pathogenic for Osteogenesis imperfecta with normal sclerae, dominant form. Review status: criteria provided, single submitter. Criteria: ACMG Guidelines, 2015. Collection method: clinical testing. Allele origin: germline. Affected: yes.
Comment: Absent from controls (or at extremely low frequency if recessive) in Genome Aggregation Database, Exome Sequencing Project, 1000 Genomes Project, or Exome Aggregation Consortium.;Null variant in a gene where loss of function (LOF) is a known mechanism of disease.;The prevalence of the variant in affected individuals is significantly increased compared to the prevalence in controls.;Patient's phenotype or family history is highly specific for a disease with a single genetic etiology.

Literature cited by the submitters: PubMed 16199547 (cited by Labcorp Genetics (formerly Invitae), Labcorp); PubMed 7942841 (cited by Labcorp Genetics (formerly Invitae), Labcorp); PubMed 9295084 (cited by Labcorp Genetics (formerly Invitae), Labcorp); PubMed 9443882 (cited by Labcorp Genetics (formerly Invitae), Labcorp); PubMed 16786509 (cited by Labcorp Genetics (formerly Invitae), Labcorp); PubMed 19491628 (cited by Labcorp Genetics (formerly Invitae), Labcorp).

NM_000088.4(COL1A1):c.1876-2A>G

Gene: COL1A1 (collagen type I alpha 1 chain; minus strand). Cytogenetic location: 17q21.33.
Variant type: single nucleotide variant.
Coding change: c.1876-2A>G on transcript NM_000088.4 (MANE Select); the canonical splice acceptor site of the intron before coding-DNA position 1876, A replaced by G.
Molecular consequence: splice acceptor variant.
Genome position (GRCh38, 1-based): chr17:50,192,695, T>C on the plus strand (A>G on the coding strand, the complement: COL1A1 is on the minus strand). VCF-style: chr17-50192695-T-C. GRCh37 (hg19) VCF-style: chr17-48270056-T-C.
Identifiers: ClinVar variation 1431075 (VCV001431075.11), dbSNP rs67891210, ClinGen allele CA291544297.